The following is an entry in ClinVar:

NM_000171.4(GLRA1):c.859A>G (p.Thr287Ala)

Gene: GLRA1 (glycine receptor alpha 1; minus strand). Cytogenetic location: 5q33.1.
Variant type: single nucleotide variant.
Coding change: c.859A>G on transcript NM_000171.4 (MANE Select); coding-DNA position 859, A replaced by G.
Protein change: p.Thr287Ala; replaces threonine 287 with alanine.
Molecular consequence: missense variant.
Genome position (GRCh38, 1-based): chr5:151,851,443, T>C on the plus strand (A>G on the coding strand, the complement: GLRA1 is on the minus strand). VCF-style: chr5-151851443-T-C. GRCh37 (hg19) VCF-style: chr5-151231004-T-C.
Other names: c.859A>G, p.Thr287Ala (NM_001146040.2); c.610A>G, p.Thr204Ala (NM_001292000.2); short protein forms T287A, T204A.
Identifiers: ClinVar variation 532835 (VCV000532835.10), dbSNP rs1554083576, ClinGen allele CA361837483.

ClinVar aggregate classification (germline): Likely pathogenic (1 of 4 stars; one submission).

Conditions:
Hereditary hyperekplexia. Identifiers: Orphanet 3197, MedGen C4084968, MONDO:0021022.

Submission:

Labcorp Genetics (formerly Invitae), Labcorp
Classification: Likely pathogenic for Hereditary hyperekplexia. Last evaluated: 2017-12-20. Review status: criteria provided, single submitter. Criteria: Invitae Variant Classification Sherloc (09022015). Collection method: clinical testing. Allele origin: germline.
Comment: In summary, the currently available evidence indicates that the variant is pathogenic, but additional data are needed to prove that conclusively. Therefore, this variant has been classified as Likely Pathogenic. Algorithms developed to predict the effect of missense changes on protein structure and function (SIFT, PolyPhen-2, Align-GVGD) all suggest that this variant is likely to be disruptive, but these predictions have not been confirmed by published functional studies and their clinical significance is uncertain. This variant is not present in population databases (ExAC no frequency). This sequence change replaces threonine with alanine at codon 287 of the GLRA1 protein (p.Thr287Ala). The threonine residue is highly conserved and there is a small physicochemical difference between threonine and alanine. This variant has been reported to be de novo in individuals affected with a GLRA1-related disease (Invitae).